The following is an entry in ClinVar:

ClinVar aggregate classification (germline): Uncertain significance (1 of 4 stars; one submission).

Submission:

Labcorp Genetics (formerly Invitae), Labcorp
Classification: Uncertain significance. Last evaluated: 2023-05-04. Review status: criteria provided, single submitter. Criteria: Invitae Variant Classification Sherloc (09022015). Collection method: clinical testing. Allele origin: germline.
Comment: In summary, the available evidence is currently insufficient to determine the role of this variant in disease. Therefore, it has been classified as a Variant of Uncertain Significance. An algorithm developed to predict the effect of missense changes on protein structure and function (PolyPhen-2) suggests that this variant is likely to be disruptive. This variant has not been reported in the literature in individuals affected with IRF4-related conditions. This variant is not present in population databases (gnomAD no frequency). This sequence change replaces arginine, which is basic and polar, with serine, which is neutral and polar, at codon 126 of the IRF4 protein (p.Arg126Ser).

NM_002460.4(IRF4):c.378G>T (p.Arg126Ser)

Gene: IRF4 (interferon regulatory factor 4; plus strand). Cytogenetic location: 6p25.3.
Variant type: single nucleotide variant.
Coding change: c.378G>T on transcript NM_002460.4 (MANE Select); coding-DNA position 378, G replaced by T.
Protein change: p.Arg126Ser; replaces arginine 126 with serine.
Molecular consequence: missense variant. On other transcripts: non-coding transcript variant (1).
Genome position (GRCh38, 1-based): chr6:394,982, G>T. VCF-style: chr6-394982-G-T. GRCh37 (hg19) VCF-style: chr6-394982-G-T.
Other names: c.378G>T, p.Arg126Ser (NM_001195286.2); short protein forms R126S.
Identifiers: ClinVar variation 2861379 (VCV002861379.3), dbSNP rs2480811291, ClinGen allele CA362547091.
Genomic context (GRCh38, chr6:394,982, plus strand): 5'-CTTTGAGGAACTGGTTGAGCGGAGCCAGCTGGACATCTCAGACCCGTACAAAGTGTACAG[G>T]ATTGTTCCTGAGGGAGCCAAAAAAGGTAGGGGCTCTCCTGAATTTGGGTCACCTAACAGA-3'
Protein context (NP_002451.2, residues 116-136): LDISDPYKVY[Arg126Ser]IVPEGAKKGA